The following is an entry in ClinVar:

NM_014795.4(ZEB2):c.3143T>C (p.Leu1048Pro)

Gene: ZEB2 (zinc finger E-box binding homeobox 2; minus strand). Cytogenetic location: 2q22.3.
Variant type: single nucleotide variant.
Coding change: c.3143T>C on transcript NM_014795.4 (MANE Select); coding-DNA position 3143, T replaced by C.
Protein change: p.Leu1048Pro; replaces leucine 1048 with proline.
Molecular consequence: missense variant.
Genome position (GRCh38, 1-based): chr2:144,389,953, A>G on the plus strand (T>C on the coding strand, the complement: ZEB2 is on the minus strand). VCF-style: chr2-144389953-A-G. GRCh37 (hg19) VCF-style: chr2-145147520-A-G.
Other names: c.3071T>C, p.Leu1024Pro (NM_001171653.2); short protein forms L1048P, L1024P.
Identifiers: ClinVar variation 3666531 (VCV003666531.2).

ClinVar aggregate classification (germline): Uncertain significance (1 of 4 stars; one submission).

Conditions:
Mowat-Wilson syndrome (MOWS). Also called: Classic Mowat-Wilson Syndrome. Identifiers: Orphanet 2152, MedGen C1856113, MONDO:0009341, OMIM 235730.

Submission:

Labcorp Genetics (formerly Invitae), Labcorp
Classification: Uncertain significance for Mowat-Wilson syndrome. Last evaluated: 2024-10-23. Review status: criteria provided, single submitter. Criteria: Invitae Variant Classification Sherloc (09022015). Collection method: clinical testing. Allele origin: germline.
Comment: This sequence change replaces leucine, which is neutral and non-polar, with proline, which is neutral and non-polar, at codon 1048 of the ZEB2 protein (p.Leu1048Pro). This variant is not present in population databases (gnomAD no frequency). This variant has not been reported in the literature in individuals affected with ZEB2-related conditions. Invitae Evidence Modeling of protein sequence and biophysical properties (such as structural, functional, and spatial information, amino acid conservation, physicochemical variation, residue mobility, and thermodynamic stability) indicates that this missense variant is expected to disrupt ZEB2 protein function with a positive predictive value of 80%. In summary, the available evidence is currently insufficient to determine the role of this variant in disease. Therefore, it has been classified as a Variant of Uncertain Significance.